The following is an entry in ClinVar:

ClinVar aggregate classification (germline): Uncertain significance (1 of 4 stars; one submission).

Submission:

GeneDx
Classification: Uncertain significance. Last evaluated: 2025-06-24. Review status: criteria provided, single submitter. Criteria: GeneDx Variant Classification Process June 2021. Collection method: clinical testing. Allele origin: germline. Affected: yes.
Comment: Not observed at significant frequency in large population cohorts (gnomAD); In silico analysis supports that this missense variant has a deleterious effect on protein structure/function; Has not been previously published as pathogenic or benign to our knowledge; Also known as D1725G

NM_000384.3(APOB):c.5255A>G (p.Asp1752Gly)

Gene: APOB (apolipoprotein B; minus strand). Cytogenetic location: 2p24.1.
Variant type: single nucleotide variant.
Coding change: c.5255A>G on transcript NM_000384.3 (MANE Select); coding-DNA position 5255, A replaced by G.
Protein change: p.Asp1752Gly; replaces aspartic acid 1752 with glycine.
Molecular consequence: missense variant.
Genome position (GRCh38, 1-based): chr2:21,011,613, T>C on the plus strand (A>G on the coding strand, the complement: APOB is on the minus strand). VCF-style: chr2-21011613-T-C. GRCh37 (hg19) VCF-style: chr2-21234485-T-C.
Other names: short protein forms D1752G.
Identifiers: ClinVar variation 4540094 (VCV004540094.1).
Genomic context (GRCh38, chr2:21,011,613, plus strand): 5'-TTGTCAAGTTTTGAAGAGAAGTCCAGTGATAAGCCTGCAATGTTCAGACTGTTTGTGTGG[T>C]CAAATTTCATTTCAGCATATGAGCCCATCATGTCATTTGAGAGCTTAAGTCCTTCTTGAC-3'
Protein context (NP_000375.3, residues 1742-1762): MMGSYAEMKF[Asp1752Gly]HTNSLNIAGL